The following is an entry in ClinVar:

ClinVar aggregate classification (germline): Uncertain significance. Review status: criteria provided, multiple submitters, no conflicts (2 of 4 stars). 2 submissions from 2 submitters: Uncertain significance (2). Last evaluated 2024-01-02.

Allele frequency attached by ClinVar (database versions not stated): gnomAD exomes 0.00001; TOPMed 0.00001; gnomAD 0.00002; ESP Exome Variant Server 0.00016.
gnomAD v4.1: 15 of 1,613,426 alleles (0.00093%); highest among the groups gnomAD compares: African/African-American, 0.004%; no homozygotes.

Submissions (2):

Mayo Clinic Laboratories, Mayo Clinic
Classification: Uncertain significance. Last evaluated: 2024-01-02. Review status: criteria provided, single submitter. Criteria: ACMG Guidelines, 2015. Collection method: clinical testing. Allele origin: germline. Observed: 1 variant allele.
Comment: BP4, PM2

Labcorp Genetics (formerly Invitae), Labcorp
Classification: Uncertain significance. Last evaluated: 2022-08-30. Review status: criteria provided, single submitter. Criteria: Invitae Variant Classification Sherloc (09022015). Collection method: clinical testing. Allele origin: germline.
Comment: This sequence change replaces alanine, which is neutral and non-polar, with valine, which is neutral and non-polar, at codon 1093 of the AP3D1 protein (p.Ala1093Val). In summary, the available evidence is currently insufficient to determine the role of this variant in disease. Therefore, it has been classified as a Variant of Uncertain Significance. Algorithms developed to predict the effect of missense changes on protein structure and function are either unavailable or do not agree on the potential impact of this missense change (SIFT: "Tolerated"; PolyPhen-2: "Possibly Damaging"; Align-GVGD: "Class C0"). This variant has not been reported in the literature in individuals affected with AP3D1-related conditions. This variant is not present in population databases (gnomAD no frequency).

NM_001261826.3(AP3D1):c.3278C>T (p.Ala1093Val)

Gene: AP3D1 (adaptor related protein complex 3 subunit delta 1; minus strand). Cytogenetic location: 19p13.3.
Variant type: single nucleotide variant.
Coding change: c.3278C>T on transcript NM_001261826.3 (MANE Select); coding-DNA position 3278, C replaced by T.
Protein change: p.Ala1093Val; replaces alanine 1093 with valine.
Molecular consequence: missense variant.
Genome position (GRCh38, 1-based): chr19:2,109,945, G>A on the plus strand (C>T on the coding strand, the complement: AP3D1 is on the minus strand). VCF-style: chr19-2109945-G-A. GRCh37 (hg19) VCF-style: chr19-2109944-G-A.
Other names: p.Ala1093Val; c.3242C>T, p.Ala1081Val (NM_001374799.1); c.3092C>T, p.Ala1031Val (NM_003938.8); short protein forms A1031V, A1081V, A1093V.
Identifiers: ClinVar variation 1920218 (VCV001920218.6), dbSNP rs370612433, ClinGen allele CA304147661.